The following is an entry in ClinVar:

ClinVar aggregate classification (germline): Uncertain significance. Review status: criteria provided, multiple submitters, no conflicts (2 of 4 stars). 2 submissions from 2 submitters: Uncertain significance (2). Last evaluated 2026-03-21.

Conditions:
Cardiomyopathy (CMYO). Also called: Cardiomyopathies. Identifiers: Orphanet 167848, MedGen C0878544, MONDO:0004994, HP:0001638. Inheritance: Various modes of inheritance.
Cardiovascular phenotype. Identifiers: MedGen CN230736.

Submissions (2):

Ambry Genetics
Classification: Uncertain significance for Cardiovascular phenotype. Last evaluated: 2026-03-21. Review status: criteria provided, single submitter. Criteria: Ambry Variant Classification Scheme 2023. Collection method: clinical testing. Allele origin: germline.
Comment: The p.K389R variant (also known as c.1166A>G), located in coding exon 9 of the DSG2 gene, results from an A to G substitution at nucleotide position 1166. The lysine at codon 389 is replaced by arginine, an amino acid with highly similar properties. This amino acid position is conserved. In addition, this alteration is predicted to be tolerated by in silico analysis. Based on the available evidence, the clinical significance of this variant remains unclear.

Color Diagnostics, LLC DBA Color Health
Classification: Uncertain significance for Cardiomyopathy. Last evaluated: 2025-06-23. Review status: criteria provided, single submitter. Criteria: ACMG Guidelines, 2015. Collection method: clinical testing. Allele origin: germline.
Comment: This missense variant replaces lysine with arginine at codon 389 of the DSG2 protein. Computational prediction suggests that this variant may not impact protein structure and function. To our knowledge, functional studies have not been reported for this variant. This variant has not been reported in individuals affected with DSG2-related disorders in the literature. This variant has not been identified in the general population by the Genome Aggregation Database (gnomAD). The available evidence is insufficient to determine the role of this variant in disease conclusively. Therefore, this variant is classified as a Variant of Uncertain Significance.

NM_001943.5(DSG2):c.1166A>G (p.Lys389Arg)

Gene: DSG2 (desmoglein 2; plus strand). Cytogenetic location: 18q12.1.
Variant type: single nucleotide variant.
Coding change: c.1166A>G on transcript NM_001943.5 (MANE Select); coding-DNA position 1166, A replaced by G.
Protein change: p.Lys389Arg; replaces lysine 389 with arginine.
Molecular consequence: missense variant.
Genome position (GRCh38, 1-based): chr18:31,531,138, A>G. VCF-style: chr18-31531138-A-G. GRCh37 (hg19) VCF-style: chr18-29111101-A-G.
Other names: short protein forms K389R.
Identifiers: ClinVar variation 4757002 (VCV004757002.2).
Genomic context (GRCh38, chr18:31,531,138, plus strand): 5'-AGCCTACACCCATTCCCATCAAGGTCAAAGTGAAAAATGTGAAAGAAGGCATTCATTTTA[A>G]AAGCAGCGTCATCTCAATTTATGTTAGCGAGAGCATGGATAGATCAAGCAAAGGCCAAAT-3'
Protein context (NP_001934.2, residues 379-399): VKNVKEGIHF[Lys389Arg]SSVISIYVSE